The following is an entry in ClinVar:

ClinVar aggregate classification (germline): Uncertain significance (1 of 4 stars; one submission).

Allele frequency attached by ClinVar (database versions not stated): gnomAD exomes below 0.00001.
gnomAD v4.1: 2 of 1,613,420 alleles (0.00012%); highest among the groups gnomAD compares: Non-Finnish European, 0.000085%; no homozygotes.

Submission:

Labcorp Genetics (formerly Invitae), Labcorp
Classification: Uncertain significance. Last evaluated: 2022-07-12. Review status: criteria provided, single submitter. Criteria: Invitae Variant Classification Sherloc (09022015). Collection method: clinical testing. Allele origin: germline.
Comment: In summary, the available evidence is currently insufficient to determine the role of this variant in disease. Therefore, it has been classified as a Variant of Uncertain Significance. Algorithms developed to predict the effect of missense changes on protein structure and function are either unavailable or do not agree on the potential impact of this missense change (SIFT: "Tolerated"; PolyPhen-2: "Possibly Damaging"; Align-GVGD: "Class C0"). This variant has not been reported in the literature in individuals affected with CFAP410-related conditions. This variant is not present in population databases (gnomAD no frequency). This sequence change replaces proline, which is neutral and non-polar, with histidine, which is basic and polar, at codon 155 of the CFAP410 protein (p.Pro155His).

NM_004928.3(CFAP410):c.464C>A (p.Pro155His)

Gene: CFAP410 (cilia and flagella associated protein 410; minus strand). Cytogenetic location: 21q22.3.
Variant type: single nucleotide variant.
Coding change: c.464C>A on transcript NM_004928.3 (MANE Select); coding-DNA position 464, C replaced by A.
Protein change: p.Pro155His; replaces proline 155 with histidine.
Molecular consequence: missense variant.
Genome position (GRCh38, 1-based): chr21:44,331,924, G>T on the plus strand (C>A on the coding strand, the complement: CFAP410 is on the minus strand). VCF-style: chr21-44331924-G-T. GRCh37 (hg19) VCF-style: chr21-45751807-G-T.
Other names: c.464C>A, p.Pro155His (NM_001271440.2, NM_001271441.2); c.341C>A, p.Pro114His (NM_001271442.1); short protein forms P155H, P114H.
Identifiers: ClinVar variation 2016351 (VCV002016351.4), dbSNP rs906590447, ClinGen allele CA321784245.